The following is an entry in ClinVar:

NM_000079.4(CHRNA1):c.283G>A (p.Val95Met)

Gene: CHRNA1 (cholinergic receptor nicotinic alpha 1 subunit; minus strand). Cytogenetic location: 2q31.1.
Variant type: single nucleotide variant.
Coding change: c.283G>A on transcript NM_000079.4 (MANE Select); coding-DNA position 283, G replaced by A.
Protein change: p.Val95Met; replaces valine 95 with methionine.
Molecular consequence: missense variant.
Genome position (GRCh38, 1-based): chr2:174,757,627, C>T on the plus strand (G>A on the coding strand, the complement: CHRNA1 is on the minus strand). VCF-style: chr2-174757627-C-T. GRCh37 (hg19) VCF-style: chr2-175622355-C-T.
Other names: c.358G>A, p.Val120Met (NM_001039523.3); short protein forms V120M, V95M.
Identifiers: ClinVar variation 1508988 (VCV001508988.8), dbSNP rs757698567, ClinGen allele CA1974602.
Genomic context (GRCh38, chr2:174,757,627, plus strand): 5'-TGTTATAGAGAACAAGGTCTGGGCGCCAGATCTTTTCTGAAGGAATGTGAATTTTTTTCA[C>T]ACCGCCATAGTCATCTGGATTCCATTTTAGGTTGTAATCCACCCATTGCTAGAAACAAAG-3'
Protein context (NP_000070.1, residues 85-105): LKWNPDDYGG[Val95Met]KKIHIPSEKI

ClinVar aggregate classification (germline): Uncertain significance (1 of 4 stars; one submission).

Conditions:
Lethal multiple pterygium syndrome (LMPS). Identifiers: Orphanet 33108, MedGen C1854678, MONDO:0009668, OMIM 253290.

Allele frequency attached by ClinVar (database versions not stated): gnomAD exomes below 0.00001 and 0.00001; ExAC 0.00001; TOPMed 0.00001.

Submission:

Labcorp Genetics (formerly Invitae), Labcorp
Classification: Uncertain significance for Lethal multiple pterygium syndrome. Last evaluated: 2022-11-01. Review status: criteria provided, single submitter. Criteria: Invitae Variant Classification Sherloc (09022015). Collection method: clinical testing. Allele origin: germline.
Comment: This variant has not been reported in the literature in individuals affected with CHRNA1-related conditions. In summary, the available evidence is currently insufficient to determine the role of this variant in disease. Therefore, it has been classified as a Variant of Uncertain Significance. Advanced modeling of protein sequence and biophysical properties (such as structural, functional, and spatial information, amino acid conservation, physicochemical variation, residue mobility, and thermodynamic stability) performed at Invitae indicates that this missense variant is not expected to disrupt CHRNA1 protein function. ClinVar contains an entry for this variant (Variation ID: 1508988). This variant is present in population databases (rs757698567, gnomAD 0.0009%). This sequence change replaces valine, which is neutral and non-polar, with methionine, which is neutral and non-polar, at codon 95 of the CHRNA1 protein (p.Val95Met).